The following is an entry in ClinVar:

ClinVar aggregate classification (germline): Uncertain significance (1 of 4 stars; one submission).

Conditions:
Early Myoclonic Encephalopathy. Identifiers: MedGen C0270855.

Allele frequency attached by ClinVar (database versions not stated): TOPMed below 0.00001.

Submission:

Labcorp Genetics (formerly Invitae), Labcorp
Classification: Uncertain significance for Early Myoclonic Encephalopathy. Last evaluated: 2022-08-15. Review status: criteria provided, single submitter. Criteria: Invitae Variant Classification Sherloc (09022015). Collection method: clinical testing. Allele origin: germline.
Comment: This variant has not been reported in the literature in individuals affected with JMJD1C-related conditions. This variant is not present in population databases (gnomAD no frequency). This sequence change replaces glutamine, which is neutral and polar, with proline, which is neutral and non-polar, at codon 431 of the JMJD1C protein (p.Gln431Pro). In summary, the available evidence is currently insufficient to determine the role of this variant in disease. Therefore, it has been classified as a Variant of Uncertain Significance. Algorithms developed to predict the effect of missense changes on protein structure and function output the following: SIFT: "Tolerated"; PolyPhen-2: "Benign"; Align-GVGD: "Class C0". The proline amino acid residue is found in multiple mammalian species, which suggests that this missense change does not adversely affect protein function. ClinVar contains an entry for this variant (Variation ID: 1391870).

NM_032776.3(JMJD1C):c.1292A>C (p.Gln431Pro)

Gene: JMJD1C (jumonji domain containing 1C; minus strand). Cytogenetic location: 10q21.3.
Variant type: single nucleotide variant.
Coding change: c.1292A>C on transcript NM_032776.3 (MANE Select); coding-DNA position 1292, A replaced by C.
Protein change: p.Gln431Pro; replaces glutamine 431 with proline.
Molecular consequence: missense variant. On other transcripts: non-coding transcript variant (1).
Genome position (GRCh38, 1-based): chr10:63,214,875, T>G on the plus strand (A>C on the coding strand, the complement: JMJD1C is on the minus strand). VCF-style: chr10-63214875-T-G. GRCh37 (hg19) VCF-style: chr10-64974635-T-G.
Other names: c.746A>C, p.Gln249Pro (NM_001282948.2, NM_001318154.2); c.428A>C, p.Gln143Pro (NM_001318153.2); c.1178A>C, p.Gln393Pro (NM_001322252.2); c.635A>C, p.Gln212Pro (NM_001322254.2, NM_001322258.2); short protein forms Q393P, Q431P, Q249P, Q143P, Q212P.
Identifiers: ClinVar variation 1391870 (VCV001391870.6), dbSNP rs763363754, ClinGen allele CA208377424.